The following is an entry in ClinVar:

NM_006371.5(CRTAP):c.352_353delinsCT (p.Cys118Leu)

Gene: CRTAP (cartilage associated protein; plus strand). Cytogenetic location: 3p22.3.
Variant type: Indel.
Coding change: c.352_353delinsCT on transcript NM_006371.5 (MANE Select); coding-DNA positions 352 to 353, TG replaced by CT.
Protein change: p.Cys118Leu; replaces cysteine 118 with leucine.
Molecular consequence: missense variant.
Genome position (GRCh38, 1-based): chr3:33,114,429-33,114,430, TG replaced by CT. VCF-style: chr3-33114429-TG-CT. GRCh37 (hg19) VCF-style: chr3-33155921-TG-CT.
Other names: short protein forms C118L.
Identifiers: ClinVar variation 1004900 (VCV001004900.1), dbSNP rs1701317564, ClinGen allele CA1356029792.

ClinVar aggregate classification (germline): Uncertain significance (1 of 4 stars; one submission).

Conditions:
Osteogenesis imperfecta type 7 (OI7). Also called: OSTEOGENESIS IMPERFECTA, TYPE IIB; Osteogenesis imperfecta type 2B; OI type 2B; Osteogenesis imperfecta, perinatal lethal autosomal recessive; OI type IIB; OI type 7. Identifiers: MedGen C1853162, MONDO:0012536, OMIM 610682.

Submission:

Labcorp Genetics (formerly Invitae), Labcorp
Classification: Uncertain significance for Osteogenesis imperfecta type 7. Last evaluated: 2020-07-27. Review status: criteria provided, single submitter. Criteria: Invitae Variant Classification Sherloc (09022015). Collection method: clinical testing. Allele origin: germline.
Comment: This sequence change replaces cysteine with leucine at codon 118 of the CRTAP protein (p.Cys118Leu). The cysteine residue is highly conserved and there is a large physicochemical difference between cysteine and leucine. The frequency data for this variant in the population databases is considered unreliable, as metrics indicate insufficient coverage at this position in the ExAC database. This variant has not been reported in the literature in individuals with CRTAP-related conditions. Algorithms developed to predict the effect of missense changes on protein structure and function are either unavailable or do not agree on the potential impact of this missense change (SIFT: Not Available; PolyPhen-2: Probably Damaging; Align-GVGD: Not Available). In summary, the available evidence is currently insufficient to determine the role of this variant in disease. Therefore, it has been classified as a Variant of Uncertain Significance.